The following is an entry in ClinVar:

NM_001277115.2(DNAH11):c.11944G>A (p.Gly3982Arg)

Gene: DNAH11 (dynein axonemal heavy chain 11; plus strand). Cytogenetic location: 7p15.3.
Variant type: single nucleotide variant.
Coding change: c.11944G>A on transcript NM_001277115.2 (MANE Select); coding-DNA position 11944, G replaced by A.
Protein change: p.Gly3982Arg; replaces glycine 3982 with arginine.
Molecular consequence: missense variant.
Genome position (GRCh38, 1-based): chr7:21,868,968, G>A. VCF-style: chr7-21868968-G-A. GRCh37 (hg19) VCF-style: chr7-21908586-G-A.
Other names: c.11965G>A, p.Gly3989Arg (NM_003777.3); short protein forms G3982R, G3989R.
Identifiers: ClinVar variation 2454174 (VCV002454174.2), dbSNP rs1783392241, ClinGen allele CA366962857.

ClinVar aggregate classification (germline): Uncertain significance (1 of 4 stars; one submission).

Conditions:
Primary ciliary dyskinesia. Also called: Ciliary dyskinesia. Identifiers: Orphanet 244, MedGen C0008780, MONDO:0016575, HP:0012265.

Allele frequency attached by ClinVar (database versions not stated): gnomAD exomes below 0.00001.
gnomAD v4.1: 1 of 1,614,010 alleles (0.000062%); highest among the groups gnomAD compares: South Asian, 0.0011%; no homozygotes.

Submission:

Ambry Genetics
Classification: Uncertain significance for Primary ciliary dyskinesia. Last evaluated: 2022-11-07. Review status: criteria provided, single submitter. Criteria: Ambry Variant Classification Scheme 2023. Collection method: clinical testing. Allele origin: germline.
Comment: The p.G3982R variant (also known as c.11944G>A), located in coding exon 73 of the DNAH11 gene, results from a G to A substitution at nucleotide position 11944. The glycine at codon 3982 is replaced by arginine, an amino acid with dissimilar properties. This amino acid position is conserved. In addition, this alteration is predicted to be tolerated by in silico analysis. Since supporting evidence is limited at this time, the clinical significance of this alteration remains unclear.